The following is an entry in ClinVar:

Conditions:
Breast-ovarian cancer, familial, susceptibility to, 1 (BROVCA1). Also called: BRCA1 Hereditary Breast and Ovarian Cancer; OVARIAN CANCER, SUSCEPTIBILITY TO. Identifiers: Orphanet 145, MedGen C2676676, MONDO:0011450, OMIM 604370. Disease mechanism: loss of function.

Submission:

Brotman Baty Institute, University of Washington
No classification provided (evidence only). Condition: Breast-ovarian cancer, familial 1. Review status: no classification provided. Collection method: in vitro. Allele origin: not applicable. Functional consequence: functionally_normal.
ClinVar note: "not provided" was previously submitted as the classification for the variant. However, the classification appeared to be based only on an observation of functional data so it was converted to no classification on 2025-07-30.

NM_007294.4(BRCA1):c.5103G>T (p.Leu1701=)

Gene: BRCA1 (BRCA1 DNA repair associated; minus strand). Cytogenetic location: 17q21.31.
Variant type: single nucleotide variant.
Coding change: c.5103G>T on transcript NM_007294.4 (MANE Select); coding-DNA position 5103, G replaced by T.
Protein change: p.Leu1701=; no amino-acid change (leucine 1701 retained).
Molecular consequence: synonymous variant. On other transcripts: intron variant (2).
Genome position (GRCh38, 1-based): chr17:43,063,923, C>A on the plus strand (G>T on the coding strand, the complement: BRCA1 is on the minus strand). VCF-style: chr17-43063923-C-A. GRCh37 (hg19) VCF-style: chr17-41215940-C-A.
Other names: c.5100G>T, p.Leu1700= (NM_001407618.1, NM_001407619.1, NM_001407620.1 and 17 more transcripts); c.5097G>T, p.Leu1699= (NM_001407627.1, NM_001407628.1, NM_001407629.1 and 14 more transcripts); c.5094G>T, p.Leu1698= (NM_001407644.1, NM_001407645.1); c.5091G>T, p.Leu1697= (NM_001407646.1); c.5088G>T, p.Leu1696= (NM_001407647.1); c.5046G>T, p.Leu1682= (NM_001407648.1); c.5043G>T, p.Leu1681= (NM_001407649.1); c.5025G>T, p.Leu1675= (NM_001407653.1, NM_001407654.1, NM_001407655.1); and 73 more.
Identifiers: ClinVar variation 867648 (VCV000867648.3), dbSNP rs1060504591, ClinGen allele CA500146203.